The following is an entry in ClinVar:

ClinVar aggregate classification (germline): Uncertain significance. Review status: criteria provided, multiple submitters, no conflicts (2 of 4 stars). 2 submissions from 2 submitters: Uncertain significance (2). Last evaluated 2026-07-13.

Conditions:
Fanconi anemia (FA). Also called: Fanconi's anemia. Identifiers: Orphanet 84, MedGen C0015625, MeSH D005199, MONDO:0019391.
Inborn genetic diseases. Identifiers: MedGen C0950123, MeSH D030342.

gnomAD v4.1: 19 of 1,614,024 alleles (0.0012%); highest among the groups gnomAD compares: South Asian, 0.019%; no homozygotes.

Submissions (2):

Ambry Genetics
Classification: Uncertain significance for Inborn genetic diseases. Last evaluated: 2026-07-13. Review status: criteria provided, single submitter. Criteria: Ambry Variant Classification Scheme 2023. Collection method: clinical testing. Allele origin: germline.
Comment: The p.V1365I variant (also known as c.4093G>A), located in coding exon 41 of the FANCA gene, results from a G to A substitution at nucleotide position 4093. The valine at codon 1365 is replaced by isoleucine, an amino acid with highly similar properties. This amino acid position is conserved. In addition, this alteration is predicted to be tolerated by in silico analysis. Based on the available evidence, the clinical significance of this variant remains unclear.

Labcorp Genetics (formerly Invitae), Labcorp
Classification: Uncertain significance for Fanconi anemia. Last evaluated: 2025-12-08. Review status: criteria provided, single submitter. Criteria: Invitae Variant Classification Sherloc (09022015). Collection method: clinical testing. Allele origin: germline.
Comment: This sequence change replaces valine, which is neutral and non-polar, with isoleucine, which is neutral and non-polar, at codon 1365 of the FANCA protein (p.Val1365Ile). This variant is present in population databases (rs529210242, gnomAD 0.01%). This variant has not been reported in the literature in individuals affected with FANCA-related conditions. Invitae Evidence Modeling of protein sequence and biophysical properties (such as structural, functional, and spatial information, amino acid conservation, physicochemical variation, residue mobility, and thermodynamic stability) indicates that this missense variant is not expected to disrupt FANCA protein function with a negative predictive value of 95%. In summary, the available evidence is currently insufficient to determine the role of this variant in disease. Therefore, it has been classified as a Variant of Uncertain Significance.

NM_000135.4(FANCA):c.4093G>A (p.Val1365Ile)

Genes: FANCA (FA complementation group A; minus strand), ZNF276 (zinc finger protein 276; plus strand). Cytogenetic location: 16q24.3.
Variant type: single nucleotide variant.
Coding change: c.4093G>A on transcript NM_000135.4 (MANE Select); coding-DNA position 4093, G replaced by A.
Protein change: p.Val1365Ile; replaces valine 1365 with isoleucine.
Molecular consequence: missense variant. On other transcripts: 3 prime UTR variant (2), non-coding transcript variant (4).
Genome position (GRCh38, 1-based): chr16:89,739,207, C>T on the plus strand (G>A on the coding strand, the complement: FANCA is on the minus strand). VCF-style: chr16-89739207-C-T. GRCh37 (hg19) VCF-style: chr16-89805615-C-T.
Other names: c.4093G>A, p.Val1365Ile (NM_001286167.3); c.*961C>T (NM_001113525.2, NM_152287.4); short protein forms V1365I.
Identifiers: ClinVar variation 4701734 (VCV004701734.2).
Genomic context (GRCh38, chr16:89,739,207, plus strand): 5'-CCAGGCTCCTGCCAGCTGGAGGTGAAACTGTGCTTGTATCCCCAGCCACGAAGAGCTGGA[C>T]CAGCTTCAAGTACATGTCCACAGCAACATGCAGGAAGGCCTCTTCCCTGATGGCCGCGTC-3'
Protein context (NP_000126.2, residues 1355-1375): HVAVDMYLKL[Val1365Ile]QLFVAGDTST